The following is an entry in ClinVar:

NM_006642.5(SDCCAG8):c.1163T>A (p.Ile388Asn)

Gene: SDCCAG8 (SHH signaling and ciliogenesis regulator SDCCAG8; plus strand). Cytogenetic location: 1q43.
Variant type: single nucleotide variant.
Coding change: c.1163T>A on transcript NM_006642.5 (MANE Select); coding-DNA position 1163, T replaced by A.
Protein change: p.Ile388Asn; replaces isoleucine 388 with asparagine.
Molecular consequence: missense variant.
Genome position (GRCh38, 1-based): chr1:243,330,634, T>A. VCF-style: chr1-243330634-T-A. GRCh37 (hg19) VCF-style: chr1-243493936-T-A.
Other names: c.260T>A, p.Ile87Asn (NM_001350246.2, NM_001350247.2, NM_001350251.2); c.1259T>A, p.Ile420Asn (NM_001350248.2); c.869T>A, p.Ile290Asn (NM_001350249.2); short protein forms I290N, I87N, I388N, I420N.
Identifiers: ClinVar variation 960920 (VCV000960920.9), dbSNP rs377237088, ClinGen allele CA1483575.

ClinVar aggregate classification (germline): Uncertain significance. Review status: criteria provided, multiple submitters, no conflicts (2 of 4 stars). 4 submissions from 4 submitters: Uncertain significance (4). Last evaluated 2025-12-04.

Conditions:
Bardet-Biedl syndrome 16 (BBS16). Identifiers: Orphanet 110, MedGen C3889474, MONDO:0014444, OMIM 615993.
Senior-Loken syndrome 7 (SLSN7). Identifiers: Orphanet 3156, MedGen C3150877, MONDO:0013326, OMIM 613615.
SDCCAG8-related disorder. Also called: SDCCAG8-Related Disorders; SDCCAG8-related condition.

Allele frequency attached by ClinVar (database versions not stated): gnomAD 0.00001; gnomAD exomes 0.00001; ExAC 0.00002; TOPMed 0.00002; ESP Exome Variant Server 0.00008.
gnomAD v4.1: 20 of 1,614,008 alleles (0.0012%); highest among the groups gnomAD compares: Middle Eastern, 0.033%; no homozygotes.

Submissions (4):

PreventionGenetics, part of Exact Sciences
Classification: Uncertain significance for SDCCAG8-related condition. Last evaluated: 2025-12-04. Review status: criteria provided, single submitter. Criteria: ACMG Guidelines, 2015. Collection method: clinical testing. Allele origin: germline.
Comment: The SDCCAG8 c.1163T>A variant is predicted to result in the amino acid substitution p.Ile388Asn. To our knowledge, this variant has not been reported in the literature. This variant is reported in 0.0018% of alleles in individuals of European (non-Finnish) descent in gnomAD. At this time, the clinical significance of this variant is uncertain due to the absence of conclusive functional and genetic evidence.

Fulgent Genetics
Classification: Uncertain significance for Senior-Loken syndrome 7; Bardet-Biedl syndrome 16. Last evaluated: 2022-05-14. Review status: criteria provided, single submitter. Criteria: ACMG Guidelines, 2015. Collection method: clinical testing. Allele origin: unknown.

Labcorp Genetics (formerly Invitae), Labcorp
Classification: Uncertain significance for Bardet-Biedl syndrome 16; Senior-Loken syndrome 7. Last evaluated: 2022-01-12. Review status: criteria provided, single submitter. Criteria: Invitae Variant Classification Sherloc (09022015). Collection method: clinical testing. Allele origin: germline.
Comment: This sequence change replaces isoleucine, which is neutral and non-polar, with asparagine, which is neutral and polar, at codon 388 of the SDCCAG8 protein (p.Ile388Asn). This variant is present in population databases (rs377237088, gnomAD 0.002%). This variant has not been reported in the literature in individuals affected with SDCCAG8-related conditions. ClinVar contains an entry for this variant (Variation ID: 960920). Algorithms developed to predict the effect of missense changes on protein structure and function output the following: SIFT: "Tolerated"; PolyPhen-2: "Benign"; Align-GVGD: "Class C0". The asparagine amino acid residue is found in multiple mammalian species, which suggests that this missense change does not adversely affect protein function. In summary, the available evidence is currently insufficient to determine the role of this variant in disease. Therefore, it has been classified as a Variant of Uncertain Significance.

Breakthrough Genomics
Classification: Uncertain significance. Review status: criteria provided, single submitter. Criteria: ACMG Guidelines, 2015. Collection method: not provided. Allele origin: germline. Inheritance: Autosomal recessive inheritance. Affected: yes.